The following is an entry in ClinVar:

ClinVar aggregate classification (germline): Pathogenic. Review status: reviewed by expert panel (3 of 4 stars). 31 submissions from 30 submitters: Pathogenic (1). 30 of the submissions do not count toward it. Last evaluated 2016-04-22.

Conditions:
BRCA1-related disorder. Also called: BRCA1-related condition.
Fanconi anemia, complementation group S (FANCS). Identifiers: MedGen C4554406, MONDO:0054748, OMIM 617883.
Inherited breast cancer and ovarian cancer.
Breast and/or ovarian cancer. Identifiers: MedGen CN221562.
Hereditary cancer-predisposing syndrome. Also called: Tumor predisposition; Neoplastic Syndromes, Hereditary; Hereditary Cancer Syndrome; Hereditary neoplastic syndrome. Identifiers: Orphanet 140162, MedGen C0027672, MeSH D009386, MONDO:0015356.
Hereditary breast ovarian cancer syndrome. Also called: Hereditary breast and ovarian cancer syndrome (HBOC); Hereditary breast and ovarian cancer syndrome; Hereditary breast and ovarian cancer; Hereditary breast and/or ovarian cancer syndrome; Breast and ovarian cancer; BRCA1- and BRCA2-Associated Hereditary Breast and Ovarian Cancer. Identifiers: Orphanet 145, MedGen C0677776, MeSH D061325, MONDO:0003582. Disease mechanism: loss of function.
Breast-ovarian cancer, familial, susceptibility to, 1 (BROVCA1). Also called: OVARIAN CANCER, SUSCEPTIBILITY TO; BRCA1 Hereditary Breast and Ovarian Cancer. Identifiers: Orphanet 145, MedGen C2676676, MONDO:0011450, OMIM 604370. Disease mechanism: loss of function.

Submissions 1 to 8 of 31:

Evidence-based Network for the Interpretation of Germline Mutant Alleles (ENIGMA)
Classification: Pathogenic for Breast-ovarian cancer, familial, susceptibility to, 1. Last evaluated: 2016-04-22. Review status: reviewed by expert panel. Criteria: ENIGMA BRCA1/2 Classification Criteria (2015). Collection method: curation. Allele origin: germline.
Comment: Variant allele predicted to encode a truncated non-functional protein.

Genomics and Molecular Medicine Service, East Genomic Laboratory Hub, NHS Genomic Medicine Service
Classification: Pathogenic for Inherited breast cancer and ovarian cancer. Last evaluated: 2026-04-15. Review status: criteria provided, single submitter. Criteria: ACGS Best Practice Guidelines for Variant Classification in Rare Disease 2020. Collection method: clinical testing. Allele origin: germline. Affected: yes. Not counted in ClinVar's aggregate classification.
Comment: PVS1,PM2_Supporting,PM5_Strong

Labcorp Genetics (formerly Invitae), Labcorp
Classification: Pathogenic for Hereditary breast ovarian cancer syndrome. Last evaluated: 2025-11-17. Review status: criteria provided, single submitter. Criteria: Invitae Variant Classification Sherloc (09022015). Collection method: clinical testing. Allele origin: germline. Not counted in ClinVar's aggregate classification.
Comment: This sequence change creates a premature translational stop signal (p.Arg691Aspfs*10) in the BRCA1 gene. It is expected to result in an absent or disrupted protein product. Loss-of-function variants in BRCA1 are known to be pathogenic (PMID: 20104584). This variant is not present in population databases (gnomAD no frequency). This premature translational stop signal has been observed in individual(s) with family history of breast and/or ovarian cancer (PMID: 9482581, 9667259, 10486320, 21324516, 24504028). This variant is also known as 2190delA. ClinVar contains an entry for this variant (Variation ID: 37444). For these reasons, this variant has been classified as Pathogenic.

Molecular Pathology, Peter Maccallum Cancer Centre
Classification: Pathogenic for Breast-ovarian cancer, familial, susceptibility to, 1. Last evaluated: 2025-06-02. Review status: criteria provided, single submitter. Criteria: ACMG Guidelines, 2015. Collection method: clinical testing. Allele origin: germline. Inheritance: Autosomal dominant inheritance. Not counted in ClinVar's aggregate classification.

GeneDx
Classification: Pathogenic. Last evaluated: 2025-05-07. Review status: criteria provided, single submitter. Criteria: GeneDx Variant Classification Process June 2021. Collection method: clinical testing. Allele origin: germline. Affected: yes. Not counted in ClinVar's aggregate classification.
Comment: Frameshift variant predicted to result in protein truncation or nonsense mediated decay in a gene for which loss of function is a known mechanism of disease; Not observed at significant frequency in large population cohorts (gnomAD); Truncating variants in this gene are considered pathogenic by a well-established clinical consortium and/or database; Also known as 2190delA; This variant is associated with the following publications: (PMID: 21324516, 10486320, 24728189, 23942203, 19471317, 9482581, 17148771, 23569316, 26287763, 24504028, 25371446, 25452441, 23458327, 25556971, 11437066, 17369502, 27534398, 28127413, 30875412, 24950059, 34347777, 31897316, 35186721, 27533253, 24830819, 26295337, 33758026, 33646313, 38170500, 36169650)

ARUP Laboratories, Molecular Genetics and Genomics, ARUP Laboratories
Classification: Pathogenic. Last evaluated: 2025-03-31. Review status: criteria provided, single submitter. Criteria: ARUP Molecular Germline Variant Investigation Process 2024. Collection method: clinical testing. Allele origin: germline. Not counted in ClinVar's aggregate classification.
Comment: The BRCA1 c.2071del, p.Arg691AspfsTer10 variant (rs80357688), also published as 2190delA, is reported in several individuals with breast or ovarian cancer (Andersen 1998, Cunningham 2014, Zhang 2011). It is classified as pathogenic by several sources in ClinVar (Variation ID: 37444), and is absent from the Genome Aggregation Database, indicating it is not a common polymorphism. This variant causes a frameshift by deleting a single nucleotide, so it is predicted to result in a truncated protein or mRNA subject to nonsense-mediated decay. Based on available information, this variant is considered to be pathogenic. References: Andersen T et al. Constant denaturant gel electrophoresis (CDGE) in BRCA1 mutation screening. Hum Mutat. 1998; 11(2):166-74. PMID: 9482581. Cunningham J et al. Clinical characteristics of ovarian cancer classified by BRCA1, BRCA2, and RAD51C status. Sci Rep. 2014; 4:4026. PMID: 24504028. Zhang S et al. Frequencies of BRCA1 and BRCA2 mutations among 1,342 unselected patients with invasive ovarian cancer. Gynecol Oncol. 2011; 121(2):353-7. PMID: 21324516.

Color Diagnostics, LLC DBA Color Health
Classification: Pathogenic for Hereditary cancer-predisposing syndrome. Last evaluated: 2025-02-24. Review status: criteria provided, single submitter. Criteria: ACMG Guidelines, 2015. Collection method: clinical testing. Allele origin: germline. Not counted in ClinVar's aggregate classification.
Comment: This variant deletes 1 nucleotide in exon 10 of the BRCA1 gene, creating a frameshift and premature translation stop signal. This variant is expected to result in an absent or non-functional protein product. This variant has been observed in at least 10 individuals affected with breast, ovarian, and fallopian tube cancer (PMID: 9482581, 9667259, 10359546, 11179017, 12354934, 17369502, 21324516, 23458327, 24240112, 24504028, 24728189, 25371446, 26287763, 30875412, 33646313) and an individual affected with prostate cancer (PMID: 23569316). A multifactorial analysis has reported a likelihood ratio for pathogenicity based on personal and family history of 250.326 from log(LR)=2.398505926 for 7 carriers (PMID: 31853058).This variant has not been identified in the general population by the Genome Aggregation Database (gnomAD). Loss of BRCA1 function is a known mechanism of disease. Based on the available evidence, this variant is classified as Pathogenic.

Quest Diagnostics Nichols Institute San Juan Capistrano
Classification: Pathogenic. Last evaluated: 2025-01-14. Review status: criteria provided, single submitter. Criteria: Quest Diagnostics criteria. Collection method: clinical testing. Allele origin: unknown. Not counted in ClinVar's aggregate classification.
Comment: The BRCA1 c.2071del (p.Arg691Aspfs*10) variant alters the translational reading frame of the BRCA1 mRNA and causes the premature termination of BRCA1 protein synthesis. This variant has been reported in the published literature in individuals with a personal and/or family history of breast and/or ovarian cancer (PMID: 9667259 (1998), 9482581 (1998), 10486320 (1999), 21324516 (2011), 24504028 (2014), 26287763 (2015), 30875412 (2019), 33646313 (2021), 33758026 (2022)). This variant has not been reported in large, multi-ethnic general populations (Genome Aggregation Database). Based on the available information, this variant is classified as pathogenic.

NM_007294.4(BRCA1):c.2071del (p.Arg691fs)

Gene: BRCA1 (BRCA1 DNA repair associated; minus strand). Cytogenetic location: 17q21.31.
Variant type: Deletion.
Coding change: c.2071del on transcript NM_007294.4 (MANE Select); coding-DNA position 2071, one base deleted (A; older notation c.2071delA).
Protein change: p.Arg691fs; shifts the reading frame from arginine 691.
Molecular consequence: frameshift variant. On other transcripts: intron variant (137).
Genome position (GRCh38, 1-based): chr17:43,093,460, T deleted on the plus strand (A on the coding strand, the reverse complement: BRCA1 is on the minus strand); the first of 4 consecutive T bases (chr17:43,093,460-43,093,463); deleting any one gives the same sequence. VCF-style (leftmost placement, unchanged base first): chr17-43093459-CT-C. GRCh37 (hg19) VCF-style: chr17-41245476-CT-C.
Other names: 2187delA; 2190delA; c.2071delA (NM_007294.3); c.1738del, p.Arg580fs (NM_001407957.1, NM_001407946.1, NM_001407947.1 and 6 more transcripts); c.1735del, p.Arg579fs (NM_001407958.1, NM_001407954.1, NM_001407955.1 and 1 more transcripts); c.1690del, p.Arg564fs (NM_001407959.1, NM_001407960.1, NM_001407963.1); c.1687del, p.Arg563fs (NM_001407962.1); c.1927del, p.Arg643fs (NM_001407964.1, NM_001407740.1, NM_001407741.1 and 20 more transcripts); and 43 more; short protein forms R691fs, R644fs, R580fs, R620fs, R624fs, R665fs, R395fs, R564fs.
Identifiers: ClinVar variation 37444 (VCV000037444.59), dbSNP rs80357688, ClinGen allele CA001367.
Genomic context (GRCh38, chr17:43,093,459, plus strand): 5'-TTAGTAAAAGAACCAGGTGCATTTGTTAACTTCAGCTCTGGGAAAGTATCGCTGTCATGT[CT>C]TTTACTTGTCTGTTCATTTGGCTTGTTACTCTTCTTGGCTCCAGTTGCAGGTTCTTTACC-3'